The following is an entry in ClinVar:

NM_005732.4(RAD50):c.3520T>G (p.Ser1174Ala)

Genes: TH2-LCR (Th2 cytokine locus control region; plus strand), RAD50 (RAD50 double strand break repair protein; plus strand), TH2LCRR (T helper type 2 locus control region associated RNA; minus strand). Cytogenetic location: 5q31.1.
Variant type: single nucleotide variant.
Coding change: c.3520T>G on transcript NM_005732.4 (MANE Select); coding-DNA position 3520, T replaced by G.
Protein change: p.Ser1174Ala; replaces serine 1174 with alanine.
Molecular consequence: missense variant. On other transcripts: non-coding transcript variant (2).
Genome position (GRCh38, 1-based): chr5:132,638,125, T>G. VCF-style: chr5-132638125-T-G. GRCh37 (hg19) VCF-style: chr5-131973817-T-G.
Other names: short protein forms S1174A.
Identifiers: ClinVar variation 1058551 (VCV001058551.9), dbSNP rs1751630797, ClinGen allele CA360931359.

ClinVar aggregate classification (germline): Uncertain significance (1 of 4 stars; one submission).

Conditions:
Hereditary cancer-predisposing syndrome. Also called: Neoplastic Syndromes, Hereditary; Hereditary Cancer Syndrome; Hereditary neoplastic syndrome; Tumor predisposition. Identifiers: Orphanet 140162, MedGen C0027672, MeSH D009386, MONDO:0015356.

Submission:

Labcorp Genetics (formerly Invitae), Labcorp
Classification: Uncertain significance for Hereditary cancer-predisposing syndrome. Last evaluated: 2020-10-03. Review status: criteria provided, single submitter. Criteria: Invitae Variant Classification Sherloc (09022015). Collection method: clinical testing. Allele origin: germline.
Comment: In summary, the available evidence is currently insufficient to determine the role of this variant in disease. Therefore, it has been classified as a Variant of Uncertain Significance. Algorithms developed to predict the effect of missense changes on protein structure and function output the following: SIFT: "Tolerated"; PolyPhen-2: "Benign"; Align-GVGD: "Class C0". The alanine amino acid residue is found in multiple mammalian species, suggesting that this missense change does not adversely affect protein function. These predictions have not been confirmed by published functional studies and their clinical significance is uncertain. This variant has not been reported in the literature in individuals with RAD50-related conditions. This variant is not present in population databases (ExAC no frequency). This sequence change replaces serine with alanine at codon 1174 of the RAD50 protein (p.Ser1174Ala). The serine residue is moderately conserved and there is a moderate physicochemical difference between serine and alanine.